The following is an entry in ClinVar:

NM_001134407.3(GRIN2A):c.1970A>C (p.Glu657Ala)

Gene: GRIN2A (glutamate ionotropic receptor NMDA type subunit 2A; minus strand). Cytogenetic location: 16p13.2.
Variant type: single nucleotide variant.
Coding change: c.1970A>C on transcript NM_001134407.3 (MANE Select); coding-DNA position 1970, A replaced by C.
Protein change: p.Glu657Ala; replaces glutamic acid 657 with alanine.
Molecular consequence: missense variant.
Genome position (GRCh38, 1-based): chr16:9,829,460, T>G on the plus strand (A>C on the coding strand, the complement: GRIN2A is on the minus strand). VCF-style: chr16-9829460-T-G. GRCh37 (hg19) VCF-style: chr16-9923317-T-G.
Other names: c.1970A>C, p.Glu657Ala (NM_000833.5, NM_001134408.2); short protein forms E657A.
Identifiers: ClinVar variation 838347 (VCV000838347.10), dbSNP rs2042447316, ClinGen allele CA394799200.
Genomic context (GRCh38, chr16:9,829,460, plus strand): 5'-AGAGGAAAGCAAGGTGACCTTACCTTTTTGTCACTGAGGCCGGTCACTTGGTCCACAAAT[T>G]CCTCTTGGATCATGAAGGCAGCCAGATTGGCTGTGTAGCTAGCCAGGAATATGACAGCGA-3'
Protein context (NP_001127879.1, residues 647-667): ANLAAFMIQE[Glu657Ala]FVDQVTGLSD

ClinVar aggregate classification (germline): Uncertain significance (1 of 4 stars; one submission).

Conditions:
Landau-Kleffner syndrome (FESD). Also called: APHASIA, ACQUIRED, WITH EPILEPSY; EPILEPSY, FOCAL, WITH SPEECH DISORDER AND WITH OR WITHOUT MENTAL RETARDATION. Identifiers: Orphanet 1945, Orphanet 725, Orphanet 98818, MedGen C0282512, MONDO:0009509, OMIM 245570.

Submission:

Labcorp Genetics (formerly Invitae), Labcorp
Classification: Uncertain significance for Landau-Kleffner syndrome. Last evaluated: 2020-01-24. Review status: criteria provided, single submitter. Criteria: Invitae Variant Classification Sherloc (09022015). Collection method: clinical testing. Allele origin: germline.
Comment: This sequence change replaces glutamic acid with alanine at codon 657 of the GRIN2A protein (p.Glu657Ala). The glutamic acid residue is highly conserved and there is a moderate physicochemical difference between glutamic acid and alanine. In summary, the available evidence is currently insufficient to determine the role of this variant in disease. Therefore, it has been classified as a Variant of Uncertain Significance. Algorithms developed to predict the effect of missense changes on protein structure and function are either unavailable or do not agree on the potential impact of this missense change (SIFT: "Tolerated"; PolyPhen-2: "Probably Damaging"; Align-GVGD: "Class C0"). This variant has not been reported in the literature in individuals with GRIN2A-related conditions. This variant is not present in population databases (ExAC no frequency).